The following is an entry in ClinVar:

ClinVar aggregate classification (germline): Pathogenic (1 of 4 stars; one submission).

Conditions:
Hereditary hemochromatosis (HFE). Identifiers: MedGen C0392514, MONDO:0006507. Disease mechanism: loss of function.

Submission:

Labcorp Genetics (formerly Invitae), Labcorp
Classification: Pathogenic for Hereditary hemochromatosis. Last evaluated: 2023-07-25. Review status: criteria provided, single submitter. Criteria: Invitae Variant Classification Sherloc (09022015). Collection method: clinical testing. Allele origin: unknown.
Comment: This variant is a gross deletion of the genomic region encompassing exon(s) 1-3 of the HFE gene, which includes the initiator codon. This deletion extends beyond the assayed region for this gene and therefore may encompass additional genes. It is expected to result in an absent or disrupted protein product. Loss-of-function variants in HFE are known to be pathogenic (PMID: 27518069). This variant has not been reported in the literature in individuals affected with HFE-related conditions. For these reasons, this variant has been classified as Pathogenic.

Literature cited by the submitters: PubMed 27518069.

NC_000006.11:g.(?_26087669)_(26091837_?)del

Gene: HFE (homeostatic iron regulator; plus strand). Cytogenetic location: 6p22.2.
Variant type: Deletion.
Identifiers: ClinVar variation 3245974 (VCV003245974.1).